The following is an entry in ClinVar:

ClinVar aggregate classification (germline): Uncertain significance (1 of 4 stars; one submission).

Conditions:
Hajdu-Cheney syndrome (HJCYS). Also called: ACROOSTEOLYSIS WITH OSTEOPOROSIS AND CHANGES IN SKULL AND MANDIBLE; Acroosteolysis dominant type; SERPENTINE FIBULA-POLYCYSTIC KIDNEY SYNDROME. Identifiers: Orphanet 955, MedGen C0917715, MONDO:0007057, OMIM 102500.

Submission:

Labcorp Genetics (formerly Invitae), Labcorp
Classification: Uncertain significance for Hajdu-Cheney syndrome. Last evaluated: 2022-07-06. Review status: criteria provided, single submitter. Criteria: Invitae Variant Classification Sherloc (09022015). Collection method: clinical testing. Allele origin: germline.
Comment: This sequence change replaces valine, which is neutral and non-polar, with alanine, which is neutral and non-polar, at codon 1176 of the NOTCH2 protein (p.Val1176Ala). In summary, the available evidence is currently insufficient to determine the role of this variant in disease. Therefore, it has been classified as a Variant of Uncertain Significance. Advanced modeling of protein sequence and biophysical properties (such as structural, functional, and spatial information, amino acid conservation, physicochemical variation, residue mobility, and thermodynamic stability) performed at Invitae indicates that this missense variant is not expected to disrupt NOTCH2 protein function. ClinVar contains an entry for this variant (Variation ID: 1358782). This variant has not been reported in the literature in individuals affected with NOTCH2-related conditions. This variant is not present in population databases (gnomAD no frequency).

NM_024408.4(NOTCH2):c.3527T>C (p.Val1176Ala)

Gene: NOTCH2 (notch receptor 2; minus strand). Cytogenetic location: 1p12.
Variant type: single nucleotide variant.
Coding change: c.3527T>C on transcript NM_024408.4 (MANE Select); coding-DNA position 3527, T replaced by C.
Protein change: p.Val1176Ala; replaces valine 1176 with alanine.
Molecular consequence: missense variant.
Genome position (GRCh38, 1-based): chr1:119,935,600, A>G on the plus strand (T>C on the coding strand, the complement: NOTCH2 is on the minus strand). VCF-style: chr1-119935600-A-G. GRCh37 (hg19) VCF-style: chr1-120478223-A-G.
Other names: c.3527T>C, p.Val1176Ala (NM_001200001.2); short protein forms V1176A.
Identifiers: ClinVar variation 1358782 (VCV001358782.8), dbSNP rs2101182866, ClinGen allele CA341851703.
Genomic context (GRCh38, chr1:119,935,600, plus strand): 5'-CAGGGCTGATTCTGGCACTCATCCACTTCATACTCACAGTTGACACCCTGATAGCCTGGG[A>G]CACACTGCCATGAGGAAACAAAAAGGACAAGAAATATTGGACCATTACTGGAAACAGACC-3'
Protein context (NP_077719.2, residues 1166-1186): DFIGGYRCEC[Val1176Ala]PGYQGVNCEY